The following is an entry in ClinVar:

ClinVar aggregate classification (germline): Pathogenic (1 of 4 stars; one submission).

Submission:

Labcorp Genetics (formerly Invitae), Labcorp
Classification: Pathogenic. Last evaluated: 2023-12-15. Review status: criteria provided, single submitter. Criteria: Invitae Variant Classification Sherloc (09022015). Collection method: clinical testing. Allele origin: germline.
Comment: This sequence change creates a premature translational stop signal (p.Tyr620*) in the TET2 gene. It is expected to result in an absent or disrupted protein product. Loss-of-function variants in TET2 are known to be pathogenic (PMID: 36066697). This variant is not present in population databases (gnomAD no frequency). This variant has not been reported in the literature in individuals affected with TET2-related conditions. For these reasons, this variant has been classified as Pathogenic.

Literature cited by the submitters: PubMed 36066697.

NM_001127208.3(TET2):c.1860C>G (p.Tyr620Ter)

Genes: TET2 (tet methylcytosine dioxygenase 2; plus strand), TET2-AS1 (TET2 antisense RNA 1; minus strand). Cytogenetic location: 4q24.
Variant type: single nucleotide variant.
Coding change: c.1860C>G on transcript NM_001127208.3 (MANE Select); coding-DNA position 1860, C replaced by G.
Protein change: p.Tyr620Ter; replaces tyrosine 620 with a stop codon.
Molecular consequence: nonsense.
Genome position (GRCh38, 1-based): chr4:105,235,802, C>G. VCF-style: chr4-105235802-C-G. GRCh37 (hg19) VCF-style: chr4-106156959-C-G.
Other names: c.1860C>G, p.Tyr620Ter (NM_017628.4); short protein forms Y620*.
Identifiers: ClinVar variation 2703329 (VCV002703329.3), dbSNP rs745705515, ClinGen allele CA357796677.